The following is an entry in ClinVar:

ClinVar aggregate classification (germline): Pathogenic (1 of 4 stars; one submission).

Conditions:
Brachyolmia-amelogenesis imperfecta syndrome. Also called: Tooth agenesis, selective, 6; Dental anomalies and short stature; PLATYSPONDYLY WITH AMELOGENESIS IMPERFECTA. Identifiers: Orphanet 2899, MedGen C1832594, MONDO:0011018, OMIM 601216. Disease mechanism: loss of function.

Submission:

Rare Diseases Genetics and Genomics, Islamia College Peshawar
Classification: Pathogenic for Brachyolmia-amelogenesis imperfecta syndrome. Last evaluated: 2025-10-30. Review status: criteria provided, single submitter. Criteria: ACMG Guidelines, 2015. Collection method: research. Allele origin: germline. Inheritance: Autosomal recessive inheritance. Affected: yes. Observed: 4 variant alleles, 2 heterozygotes, 2 homozygotes.
Comment: The homozygous variant NM_001130144.3: c.2277C>A: p.Cys759* is a nonsense variant introducing a premature termination codon at position 759. The variant is predicted to result in loss of funtion of the normal protein funtion either by truncation or nonsense-mediated decay (NMD). The variant is absent in the well known population database gnomAD and Exome Aggregation Consortium (ExAC), The variant was also absent 200 ethnically matched healthy controlled chromosomes. This rarity is consitent with pathogenic variants in genes causing recessive disorders. Computational evidence supports deleteriousness with CADD-PHRED = 35 (raw 7.17) and LOEUF = 0.794, consistent with loss-of-function intolerance. The patient's clinical phenotype i-e Dental Anomalies and Short stature (OMIM 601216) is consistent with biallelic pathogenic variant in LTBP3 gene (OMIM 602090) and this variant was successfully segregated in the affected family. Alltogether this variant meets the PVS1, PM2, PP3, and PP4 criteria of ACMG guidelines, 2015, providing very strong, moderate, and supporting evidence of pathogenicity (PMID:25741868) and using ClinGen Bayesian point-based system (Tavtigian et al., 2020) the assertion score commulates to +12, providing further evidence of pathogenic classification. We classify this variant as Pathogenic based on segregation studies, absence from controls, and ACMG guidelines.

Literature cited by the submitters: PubMed 32720330.

NM_001130144.3(LTBP3):c.2277C>A (p.Cys759Ter)

Genes: LTBP3 (latent transforming growth factor beta binding protein 3; minus strand), LOC130006029 (ATAC-STARR-seq lymphoblastoid silent region 3532; plus strand). Cytogenetic location: 11q13.1.
Variant type: single nucleotide variant.
Coding change: c.2277C>A on transcript NM_001130144.3 (MANE Select); coding-DNA position 2277, C replaced by A.
Protein change: p.Cys759Ter; replaces cysteine 759 with a stop codon.
Molecular consequence: nonsense.
Genome position (GRCh38, 1-based): chr11:65,546,518, G>T on the plus strand (C>A on the coding strand, the complement: LTBP3 is on the minus strand). VCF-style: chr11-65546518-G-T. GRCh37 (hg19) VCF-style: chr11-65313989-G-T.
Other names: c.1926C>A, p.Cys642Ter (NM_001164266.1); c.2277C>A, p.Cys759Ter (NM_021070.4); short protein forms C642*, C759*.
Identifiers: ClinVar variation 4526462 (VCV004526462.1).